The following is an entry in ClinVar:

NM_001347886.2(DNAH3):c.3862C>T (p.Arg1288Ter)

Gene: DNAH3 (dynein axonemal heavy chain 3; minus strand). Cytogenetic location: 16p12.3.
Variant type: single nucleotide variant.
Coding change: c.3862C>T on transcript NM_001347886.2 (MANE Select); coding-DNA position 3862, C replaced by T.
Protein change: p.Arg1288Ter; replaces arginine 1288 with a stop codon.
Molecular consequence: nonsense.
Genome position (GRCh38, 1-based): chr16:21,054,459, G>A on the plus strand (C>T on the coding strand, the complement: DNAH3 is on the minus strand). VCF-style: chr16-21054459-G-A. GRCh37 (hg19) VCF-style: chr16-21065780-G-A.
Other names: c.4000C>T, p.Arg1334Ter (NM_017539.2); short protein forms R1288*, R1334*.
Identifiers: ClinVar variation 4880046 (VCV004880046.1).
Genomic context (GRCh38, chr16:21,054,459, plus strand): 5'-AGGGGAAGCCCCCTGGCTTACCGTGGACATCGATGACCGTGAGGGCCCCGAGAGTGAGTC[G>A]AGCTCCACTGCTCAGCTTCCCTCGCACCAGCTGGACAATCTGCGCAATCTGATCATTGCT-3'

ClinVar aggregate classification (germline): Likely pathogenic (1 of 4 stars; one submission).

Conditions:
Primary ciliary dyskinesia. Also called: Ciliary dyskinesia. Identifiers: Orphanet 244, MedGen C0008780, MONDO:0016575, HP:0012265.

gnomAD v4.1: 25 of 1,613,998 alleles (0.0015%); highest among the groups gnomAD compares: African/African-American, 0.0027%; no homozygotes.

Submission:

Department of Human Genetics, Hannover Medical School
Classification: Likely pathogenic for Primary Ciliary Dyskinesia. Last evaluated: 2026-04-01. Review status: criteria provided, single submitter. Criteria: ACMG Guidelines, 2015. Collection method: research. Allele origin: germline. Affected: no.
Comment: Classification performed by HerediClassify using the following criteria:['PM2_supporting: Variant occures does not occur as homozygous in gnomAD.', 'PVS1_protein_very_strong: Transcript ENST00000698260 is predicted to undergo NMD.']